The following is an entry in ClinVar:

NM_006073.4(TRDN):c.1798A>G (p.Thr600Ala)

Gene: TRDN (triadin; minus strand). Cytogenetic location: 6q22.31.
Variant type: single nucleotide variant.
Coding change: c.1798A>G on transcript NM_006073.4 (MANE Select); coding-DNA position 1798, A replaced by G.
Protein change: p.Thr600Ala; replaces threonine 600 with alanine.
Molecular consequence: missense variant.
Genome position (GRCh38, 1-based): chr6:123,265,324, T>C on the plus strand (A>G on the coding strand, the complement: TRDN is on the minus strand). VCF-style: chr6-123265324-T-C. GRCh37 (hg19) VCF-style: chr6-123586469-T-C.
Other names: short protein forms T600A.
Identifiers: ClinVar variation 2625270 (VCV002625270.2), dbSNP rs1368817235, ClinGen allele CA365563815.

ClinVar aggregate classification (germline): Uncertain significance (1 of 4 stars; one submission).

Conditions:
Cardiovascular phenotype. Identifiers: MedGen CN230736.

Allele frequency attached by ClinVar (database versions not stated): gnomAD exomes below 0.00001; TOPMed below 0.00001; gnomAD 0.00001.
gnomAD v4.1: 2 of 1,425,206 alleles (0.00014%); highest among the groups gnomAD compares: African/African-American, 0.0015%; no homozygotes.

Submission:

Ambry Genetics
Classification: Uncertain significance for Cardiovascular phenotype. Last evaluated: 2023-09-08. Review status: criteria provided, single submitter. Criteria: Ambry Variant Classification Scheme 2023. Collection method: clinical testing. Allele origin: germline.
Comment: The p.T600A variant (also known as c.1798A>G), located in coding exon 33 of the TRDN gene, results from an A to G substitution at nucleotide position 1798. The threonine at codon 600 is replaced by alanine, an amino acid with similar properties. This amino acid position is conserved. In addition, this alteration is predicted to be tolerated by in silico analysis. Since supporting evidence is limited at this time, the clinical significance of this alteration remains unclear.